The following is an entry in ClinVar:

ClinVar aggregate classification (germline): Uncertain significance (1 of 4 stars; one submission).

Submission:

Women's Health and Genetics/Laboratory Corporation of America, LabCorp
Classification: Uncertain significance. Last evaluated: 2024-01-25. Review status: criteria provided, single submitter. Criteria: LabCorp Variant Classification Summary - May 2015. Collection method: clinical testing. Allele origin: germline.
Comment: Variant summary: DNA2 c.984_985insAA (p.Glu329LysfsX22) results in a premature termination codon, predicted to cause a truncation of the encoded protein or absence of the protein due to nonsense mediated decay, however current evidence is not sufficient to establish loss-of-function as a molecular mechanism of disease. The variant allele was found at a frequency of 2.1e-06 (i.e. 3 heterozygotes) in 1440318 control chromosomes (gnomAD v4). The available data on variant occurrences in the general population are insufficient to allow any conclusion about variant significance. To our knowledge, no occurrence of c.984_985insAA in individuals affected with Progressive External Ophthalmoplegia With Mitochondrial DNA Deletions, Autosomal Dominant 6 and no experimental evidence demonstrating its impact on protein function have been reported. No submitters have cited clinical-significance assessments for this variant to ClinVar. Based on the evidence outlined above, the variant was classified as uncertain significance.

NM_001080449.3(DNA2):c.984_985insAA (p.Glu329fs)

Gene: DNA2 (DNA replication helicase/nuclease 2; minus strand). Cytogenetic location: 10q21.3.
Variant type: Insertion.
Coding change: c.984_985insAA on transcript NM_001080449.3 (MANE Select); coding-DNA positions 984 to 985, AA inserted.
Protein change: p.Glu329fs; shifts the reading frame from glutamic acid 329.
Molecular consequence: frameshift variant. On other transcripts: non-coding transcript variant (1).
Genome position: GRCh38 VCF-style: chr10-68446368-C-CTT. GRCh37 (hg19) VCF-style: chr10-70206125-C-CTT.
Other names: short protein forms E329fs.
Identifiers: ClinVar variation 3063673 (VCV003063673.1), dbSNP rs2493963269, ClinGen allele CA2609392911.